The following is an entry in ClinVar:

NM_003738.5(PTCH2):c.1285G>A (p.Gly429Arg)

Gene: PTCH2 (patched 2; minus strand). Cytogenetic location: 1p34.1.
Variant type: single nucleotide variant.
Coding change: c.1285G>A on transcript NM_003738.5 (MANE Select); coding-DNA position 1285, G replaced by A.
Protein change: p.Gly429Arg; replaces glycine 429 with arginine.
Molecular consequence: missense variant.
Genome position (GRCh38, 1-based): chr1:44,829,243, C>T on the plus strand (G>A on the coding strand, the complement: PTCH2 is on the minus strand). VCF-style: chr1-44829243-C-T. GRCh37 (hg19) VCF-style: chr1-45294915-C-T.
Other names: c.1285G>A, p.Gly429Arg (NM_001166292.2); short protein forms G429R.
Identifiers: ClinVar variation 947331 (VCV000947331.8), dbSNP rs772212841, ClinGen allele CA823361.

ClinVar aggregate classification (germline): Uncertain significance (1 of 4 stars; one submission).

Conditions:
Gorlin syndrome. Also called: Nevoid Basal Cell Carcinoma Syndrome; Basal cell nevus syndrome. Identifiers: Orphanet 377, MedGen C0004779, MONDO:0007187.

Submission:

Labcorp Genetics (formerly Invitae), Labcorp
Classification: Uncertain significance for Gorlin syndrome. Last evaluated: 2025-06-15. Review status: criteria provided, single submitter. Criteria: Invitae Variant Classification Sherloc (09022015). Collection method: clinical testing. Allele origin: germline.
Comment: This sequence change replaces glycine, which is neutral and non-polar, with arginine, which is basic and polar, at codon 429 of the PTCH2 protein (p.Gly429Arg). This variant is present in population databases (rs772212841, gnomAD 0.006%). This variant has not been reported in the literature in individuals affected with PTCH2-related conditions. ClinVar contains an entry for this variant (Variation ID: 947331). Invitae Evidence Modeling of protein sequence and biophysical properties (such as structural, functional, and spatial information, amino acid conservation, physicochemical variation, residue mobility, and thermodynamic stability) indicates that this missense variant is expected to disrupt PTCH2 protein function with a positive predictive value of 80%. In summary, the available evidence is currently insufficient to determine the role of this variant in disease. Therefore, it has been classified as a Variant of Uncertain Significance.